The following is an entry in ClinVar:

NM_138383.3(MTSS2):c.1827G>A (p.Arg609=)

Gene: MTSS2 (MTSS I-BAR domain containing 2; minus strand). Cytogenetic location: 16q22.1.
Variant type: single nucleotide variant.
Coding change: c.1827G>A on transcript NM_138383.3 (MANE Select); coding-DNA position 1827, G replaced by A.
Protein change: p.Arg609=; no amino-acid change (arginine 609 retained).
Molecular consequence: synonymous variant.
Genome position (GRCh38, 1-based): chr16:70,664,094, C>T on the plus strand (G>A on the coding strand, the complement: MTSS2 is on the minus strand). VCF-style: chr16-70664094-C-T. GRCh37 (hg19) VCF-style: chr16-70697997-C-T.
Identifiers: ClinVar variation 4930736 (VCV004930736.2).
Genomic context (GRCh38, chr16:70,664,094, plus strand): 5'-GTCCGGTGCCAGGGGTGAGGCGGTCTCGTCGGTATAGAAGACGCACTCCTCACTGCCCGC[C>T]CGTGTGGGCCCCATGTAGCCGGGGGAGTCAGGCACCGTGGGCGTCTTCACAGGGACGATG-3'
Protein context (NP_612392.1, residues 599-619): PDSPGYMGPT[Arg609=]AGSEECVFYT

ClinVar aggregate classification (germline): Likely benign. Review status: criteria provided, multiple submitters, no conflicts (2 of 4 stars). 2 submissions from 2 submitters: Likely benign (2). Last evaluated 2026-09-01.

gnomAD v4.1: 377 of 1,611,914 alleles (0.023%); highest among the groups gnomAD compares: Middle Eastern, 0.43%; 1 homozygote.

Submissions (2):

CeGaT Center for Human Genetics Tuebingen
Classification: Likely benign. Last evaluated: 2026-09-01. Review status: criteria provided, single submitter. Criteria: CeGaT Center For Human Genetics Tuebingen Variant Classification Criteria Version 2. Collection method: clinical testing. Allele origin: germline. Affected: yes. Observed: 1 variant allele.
Comment: MTSS2: BP4, BP7

Blueprint Genetics
Classification: Likely benign. Last evaluated: 2024-11-22. Review status: criteria provided, single submitter. Criteria: ACMG Guidelines, 2015. Collection method: clinical testing. Allele origin: germline.